The following is an entry in ClinVar:

ClinVar aggregate classification (germline): Uncertain significance. Review status: criteria provided, multiple submitters, no conflicts (2 of 4 stars). 2 submissions from 2 submitters: Uncertain significance (2). Last evaluated 2024-10-25.

Conditions:
Inborn genetic diseases. Identifiers: MedGen C0950123, MeSH D030342.
Multiple acyl-CoA dehydrogenase deficiency (MADD). Also called: ETHYLMALONIC-ADIPICACIDURIA; GA II; Glutaric Acidemia type 2; Glutaric aciduria, type 2; Glutaric acidemia type II; GA 2. Identifiers: Orphanet 26791, MedGen C0268596, MONDO:0009282, OMIM 231680.

Allele frequency attached by ClinVar (database versions not stated): TOPMed below 0.00001; gnomAD 0.00001; gnomAD exomes 0.00001.
gnomAD v4.1: 14 of 1,613,988 alleles (0.00087%); highest among the groups gnomAD compares: Admixed American, 0.0017%; no homozygotes.

Submissions (2):

Ambry Genetics
Classification: Uncertain significance for Inborn genetic diseases. Last evaluated: 2024-10-25. Review status: criteria provided, single submitter. Criteria: Ambry Variant Classification Scheme 2023. Collection method: clinical testing. Allele origin: germline.

Labcorp Genetics (formerly Invitae), Labcorp
Classification: Uncertain significance for Multiple acyl-CoA dehydrogenase deficiency. Last evaluated: 2022-05-03. Review status: criteria provided, single submitter. Criteria: Invitae Variant Classification Sherloc (09022015). Collection method: clinical testing. Allele origin: germline.
Comment: This sequence change replaces valine, which is neutral and non-polar, with isoleucine, which is neutral and non-polar, at codon 64 of the ETFB protein (p.Val64Ile). This variant is present in population databases (no rsID available, gnomAD 0.0008%). This variant has not been reported in the literature in individuals affected with ETFB-related conditions. Algorithms developed to predict the effect of missense changes on protein structure and function (SIFT, PolyPhen-2, Align-GVGD) all suggest that this variant is likely to be tolerated. In summary, the available evidence is currently insufficient to determine the role of this variant in disease. Therefore, it has been classified as a Variant of Uncertain Significance.

NM_001985.3(ETFB):c.190G>A (p.Val64Ile)

Gene: ETFB (electron transfer flavoprotein subunit beta; minus strand). Cytogenetic location: 19q13.41.
Variant type: single nucleotide variant.
Coding change: c.190G>A on transcript NM_001985.3 (MANE Select); coding-DNA position 190, G replaced by A.
Protein change: p.Val64Ile; replaces valine 64 with isoleucine.
Molecular consequence: missense variant.
Genome position (GRCh38, 1-based): chr19:51,354,176, C>T on the plus strand (G>A on the coding strand, the complement: ETFB is on the minus strand). VCF-style: chr19-51354176-C-T. GRCh37 (hg19) VCF-style: chr19-51857430-C-T.
Other names: c.190G>A (NM_001985.2); c.463G>A, p.Val155Ile (NM_001014763.1); short protein forms V155I, V64I.
Identifiers: ClinVar variation 2150332 (VCV002150332.2), dbSNP rs989233154, ClinGen allele CA309737889.